The following is an entry in ClinVar:

NM_012470.4(TNPO3):c.1298C>T (p.Pro433Leu)

Gene: TNPO3 (transportin 3; minus strand). Cytogenetic location: 7q32.1.
Variant type: single nucleotide variant.
Coding change: c.1298C>T on transcript NM_012470.4 (MANE Select); coding-DNA position 1298, C replaced by T.
Protein change: p.Pro433Leu; replaces proline 433 with leucine.
Molecular consequence: missense variant. On other transcripts: non-coding transcript variant (16).
Genome position (GRCh38, 1-based): chr7:128,992,059, G>A on the plus strand (C>T on the coding strand, the complement: TNPO3 is on the minus strand). VCF-style: chr7-128992059-G-A. GRCh37 (hg19) VCF-style: chr7-128632113-G-A.
Other names: c.1298C>T, p.Pro433Leu (NM_001191028.3, NM_001382216.1, NM_001382218.1 and 2 more transcripts); c.1379C>T, p.Pro460Leu (NM_001382217.1); c.1190C>T, p.Pro397Leu (NM_001382219.1); c.1154C>T, p.Pro385Leu (NM_001382221.1); c.1151C>T, p.Pro384Leu (NM_001382222.1); short protein forms P397L, P433L, P460L, P384L, P385L.
Identifiers: ClinVar variation 2738132 (VCV002738132.4), dbSNP rs1188384023, ClinGen allele CA369231618.

ClinVar aggregate classification (germline): Uncertain significance. Review status: criteria provided, single submitter (1 of 4 stars). 2 submissions from 2 submitters: Uncertain significance (1). 1 of the submissions does not count toward it. Last evaluated 2023-02-08.

Conditions:
Autosomal dominant limb-girdle muscular dystrophy type 1F (LGMDD2). Also called: Limb-girdle muscular dystrophy, type 1F; MUSCULAR DYSTROPHY, LIMB-GIRDLE, AUTOSOMAL DOMINANT 2. Identifiers: Orphanet 55595, MedGen C1842062, MONDO:0012034, OMIM 608423.

Allele frequency attached by ClinVar (database versions not stated): TOPMed below 0.00001.

Submissions (2):

Labcorp Genetics (formerly Invitae), Labcorp
Classification: Uncertain significance for Autosomal dominant limb-girdle muscular dystrophy type 1F. Last evaluated: 2023-02-08. Review status: criteria provided, single submitter. Criteria: Invitae Variant Classification Sherloc (09022015). Collection method: clinical testing. Allele origin: germline.
Comment: This sequence change replaces proline, which is neutral and non-polar, with leucine, which is neutral and non-polar, at codon 433 of the TNPO3 protein (p.Pro433Leu). This variant is not present in population databases (gnomAD no frequency). This variant has not been reported in the literature in individuals affected with TNPO3-related conditions. Advanced modeling of protein sequence and biophysical properties (such as structural, functional, and spatial information, amino acid conservation, physicochemical variation, residue mobility, and thermodynamic stability) performed at Invitae indicates that this missense variant is not expected to disrupt TNPO3 protein function. In summary, the available evidence is currently insufficient to determine the role of this variant in disease. Therefore, it has been classified as a Variant of Uncertain Significance.

Clinical Genetics Laboratory, University Hospital Schleswig-Holstein
Classification: Uncertain significance for Autosomal dominant limb-girdle muscular dystrophy type 1F. Last evaluated: 2024-02-12. Review status: no assertion criteria provided. Collection method: clinical testing. Allele origin: germline. Affected: yes. Not counted in ClinVar's aggregate classification.